The following is an entry in ClinVar:

ClinVar aggregate classification (germline): Uncertain significance (1 of 4 stars; one submission).

Conditions:
Congenital myasthenic syndrome 8. Also called: MYASTHENIC SYNDROME, CONGENITAL, DUE TO AGRIN DEFICIENCY; Myasthenic syndrome, congenital, 8, with pre- and postsynaptic defects. Identifiers: Orphanet 590, MedGen C3808739, MONDO:0014052, OMIM 615120.

Allele frequency attached by ClinVar (database versions not stated): gnomAD exomes 0.00001; TOPMed 0.00003.
gnomAD v4.1: 8 of 1,568,496 alleles (0.00051%); highest among the groups gnomAD compares: Middle Eastern, 0.02%; no homozygotes.

Submission:

Labcorp Genetics (formerly Invitae), Labcorp
Classification: Uncertain significance for Congenital myasthenic syndrome 8. Last evaluated: 2022-03-18. Review status: criteria provided, single submitter. Criteria: Invitae Variant Classification Sherloc (09022015). Collection method: clinical testing. Allele origin: germline.
Comment: The frequency data for this variant in the population databases is considered unreliable, as metrics indicate poor data quality at this position in the gnomAD database. This variant has not been reported in the literature in individuals affected with AGRN-related conditions. Variants that disrupt the consensus splice site are a relatively common cause of aberrant splicing (PMID: 17576681, 9536098). Algorithms developed to predict the effect of sequence changes on RNA splicing suggest that this variant may disrupt the consensus splice site. In summary, the available evidence is currently insufficient to determine the role of this variant in disease. Therefore, it has been classified as a Variant of Uncertain Significance. This sequence change affects codon 1751 of the AGRN mRNA. It is a 'silent' change, meaning that it does not change the encoded amino acid sequence of the AGRN protein. This variant also falls at the last nucleotide of exon 30, which is part of the consensus splice site for this exon.

Literature cited by the submitters: PubMed 17576681; PubMed 9536098.

NM_198576.4(AGRN):c.5253G>A (p.Pro1751=)

Gene: AGRN (agrin; plus strand). Cytogenetic location: 1p36.33.
Variant type: single nucleotide variant.
Coding change: c.5253G>A on transcript NM_198576.4 (MANE Select); coding-DNA position 5253, G replaced by A.
Protein change: p.Pro1751=; no amino-acid change (proline 1751 retained).
Molecular consequence: synonymous variant.
Genome position (GRCh38, 1-based): chr1:1,050,837, G>A. VCF-style: chr1-1050837-G-A. GRCh37 (hg19) VCF-style: chr1-986217-G-A.
Other names: c.5253G>A, p.Pro1751= (NM_001305275.2); c.4938G>A, p.Pro1646= (NM_001364727.2).
Identifiers: ClinVar variation 1498119 (VCV001498119.6), dbSNP rs13303235, ClinGen allele CA16701923.